The following is an entry in ClinVar:

NM_001369268.1(ACAN):c.7555G>C (p.Val2519Leu)

Gene: ACAN (aggrecan; plus strand). Cytogenetic location: 15q26.1.
Variant type: single nucleotide variant.
Coding change: c.7555G>C on transcript NM_001369268.1 (MANE Select); coding-DNA position 7555, G replaced by C.
Protein change: p.Val2519Leu; replaces valine 2519 with leucine.
Molecular consequence: missense variant. On other transcripts: intron variant (1).
Genome position (GRCh38, 1-based): chr15:88,873,949, G>C. VCF-style: chr15-88873949-G-C. GRCh37 (hg19) VCF-style: chr15-89417180-G-C.
Other names: c.7327G>C, p.Val2443Leu (NM_001411096.1); c.7441G>C, p.Val2481Leu (NM_001411097.1, NM_013227.4); c.7220-456G>C (NM_001135.4); short protein forms V2443L, V2519L, V2481L.
Identifiers: ClinVar variation 2728981 (VCV002728981.3), dbSNP rs762367567, ClinGen allele CA7720723.
Genomic context (GRCh38, chr15:88,873,949, plus strand): 5'-CAGAAGAAGGACCGGTATGAGATCAATTCCCTGGTGCGGTACCAGTGCACAGAGGGGTTT[G>C]TCCAGCGCCACATGCCCACCATCCGGTGCCAGCCCAGCGGGCACTGGGAGGAGCCTCAGA-3'
Protein context (NP_001356197.1, residues 2509-2529): LVRYQCTEGF[Val2519Leu]QRHMPTIRCQ

ClinVar aggregate classification (germline): Uncertain significance (1 of 4 stars; one submission).

Allele frequency attached by ClinVar (database versions not stated): ExAC 0.00001; gnomAD 0.00003; gnomAD exomes 0.00003.
gnomAD v4.1: 48 of 1,613,418 alleles (0.003%); highest among the groups gnomAD compares: Non-Finnish European, 0.0038%; no homozygotes.

Submission:

Labcorp Genetics (formerly Invitae), Labcorp
Classification: Uncertain significance. Last evaluated: 2026-01-21. Review status: criteria provided, single submitter. Criteria: Invitae Variant Classification Sherloc (09022015). Collection method: clinical testing. Allele origin: germline.
Comment: This sequence change replaces valine, which is neutral and non-polar, with leucine, which is neutral and non-polar, at codon 2481 of the ACAN protein (p.Val2481Leu). This variant is present in population databases (rs762367567, gnomAD 0.002%). This variant has not been reported in the literature in individuals affected with ACAN-related conditions. ClinVar contains an entry for this variant (Variation ID: 2728981). An algorithm developed to predict the effect of missense changes on protein structure and function outputs the following: PolyPhen-2: "Possibly Damaging". The leucine amino acid residue is found in multiple mammalian species, which suggests that this missense change does not adversely affect protein function. In summary, the available evidence is currently insufficient to determine the role of this variant in disease. Therefore, it has been classified as a Variant of Uncertain Significance.